The following is an entry in ClinVar:

ClinVar aggregate classification (germline): Benign/Likely benign. Review status: criteria provided, multiple submitters, no conflicts (2 of 4 stars). 5 submissions from 5 submitters: Benign (3); Likely benign (2). Last evaluated 2026-01-27.

Conditions:
Spermatogenic failure 18. Identifiers: MedGen C4539783, MONDO:0054615, OMIM 617576.
Ciliary dyskinesia, primary, 37 (CILD37). Also called: CILIARY DYSKINESIA, PRIMARY, 37, WITH OR WITHOUT SITUS INVERSUS. Identifiers: MedGen C4539798, MONDO:0033204, OMIM 617577.

Allele frequency attached by ClinVar (database versions not stated): ESP Exome Variant Server 0.00281; TOPMed 0.00290; gnomAD 0.00302 and 0.00378; gnomAD exomes 0.00564; 1000 Genomes Project 30x 0.00703; 1000 Genomes Project 0.00779; ExAC 0.01114.
gnomAD v4.1: 8,898 of 1,599,060 alleles (0.56%); highest among the groups gnomAD compares: South Asian, 2.3%; 69 homozygotes.

Submissions (5):

Labcorp Genetics (formerly Invitae), Labcorp
Classification: Benign for Ciliary dyskinesia, primary, 37; Spermatogenic failure 18. Last evaluated: 2026-01-27. Review status: criteria provided, single submitter. Criteria: Invitae Variant Classification Sherloc (09022015). Collection method: clinical testing. Allele origin: germline.

ARUP Laboratories, Molecular Genetics and Genomics, ARUP Laboratories
Classification: Benign. Last evaluated: 2025-06-24. Review status: criteria provided, single submitter. Criteria: ARUP Molecular Germline Variant Investigation Process 2024. Collection method: clinical testing. Allele origin: germline.

Mayo Clinic Laboratories, Mayo Clinic
Classification: Benign. Last evaluated: 2023-03-30. Review status: criteria provided, single submitter. Criteria: ACMG Guidelines, 2015. Collection method: clinical testing. Allele origin: germline. Observed: 4 variant alleles.
Comment: BS1, BP4_strong

GeneDx
Classification: Likely benign. Last evaluated: 2018-07-09. Review status: criteria provided, single submitter. Criteria: GeneDx Variant Classification Process June 2021. Collection method: clinical testing. Allele origin: germline. Affected: yes.

Breakthrough Genomics
Classification: Likely benign. Review status: criteria provided, single submitter. Criteria: ACMG Guidelines, 2015. Collection method: not provided. Allele origin: germline. Inheritance: Autosomal recessive inheritance. Affected: yes.

NM_015512.5(DNAH1):c.1981A>G (p.Met661Val)

Gene: DNAH1 (dynein axonemal heavy chain 1; plus strand). Cytogenetic location: 3p21.1.
Variant type: single nucleotide variant.
Coding change: c.1981A>G on transcript NM_015512.5 (MANE Select); coding-DNA position 1981, A replaced by G.
Protein change: p.Met661Val; replaces methionine 661 with valine.
Molecular consequence: missense variant.
Genome position (GRCh38, 1-based): chr3:52,347,849, A>G. VCF-style: chr3-52347849-A-G. GRCh37 (hg19) VCF-style: chr3-52381865-A-G.
Other names: p.Met661Val; short protein forms M661V.
Identifiers: ClinVar variation 478421 (VCV000478421.20), dbSNP rs61734653, ClinGen allele CA2433120.
Genomic context (GRCh38, chr3:52,347,849, plus strand): 5'-GCCTCTGCCCACAGTCAGCTCGCCATTGCCTGCAGGCCCCGGAAGAATCCCCTGTTCATC[A>G]TGGACCTGGTGCTGGACAGCTCTGGGGTGCACTATAGCACCCCACTGGAGCAGTTTGAGG-3'
Protein context (NP_056327.4, residues 651-671): YRPRKNPLFI[Met661Val]DLVLDSSGVH